The following is an entry in ClinVar:

ClinVar aggregate classification (germline): Uncertain significance (1 of 4 stars; one submission).

Submission:

GeneDx
Classification: Uncertain significance. Last evaluated: 2026-04-18. Review status: criteria provided, single submitter. Criteria: GeneDx Variant Classification Process June 2021. Collection method: clinical testing. Allele origin: germline.
Comment: Not observed at significant frequency in large population cohorts (gnomAD); In silico analysis supports that this missense variant has a deleterious effect on protein structure/function; Has not been previously published as pathogenic or benign to our knowledge

NM_002576.5(PAK1):c.1246C>G (p.Pro416Ala)

Gene: PAK1 (p21 (RAC1) activated kinase 1; minus strand). Cytogenetic location: 11q13.5.
Variant type: single nucleotide variant.
Coding change: c.1246C>G on transcript NM_002576.5 (MANE Select); coding-DNA position 1246, C replaced by G.
Protein change: p.Pro416Ala; replaces proline 416 with alanine.
Molecular consequence: missense variant. On other transcripts: non-coding transcript variant (2).
Genome position (GRCh38, 1-based): chr11:77,336,253, G>C on the plus strand (C>G on the coding strand, the complement: PAK1 is on the minus strand). VCF-style: chr11-77336253-G-C. GRCh37 (hg19) VCF-style: chr11-77047298-G-C.
Other names: c.958C>G, p.Pro320Ala (NM_001376303.1); c.952C>G, p.Pro318Ala (NM_001376304.1, NM_001376305.1, NM_001376302.1); c.1246C>G, p.Pro416Ala (NM_001128620.2, NM_001376268.1, NM_001376269.1 and 21 more transcripts); c.1267C>G, p.Pro423Ala (NM_001376272.1); c.1123C>G, p.Pro375Ala (NM_001376290.1, NM_001376291.1); c.1237C>G, p.Pro413Ala (NM_001376294.1); c.1069C>G, p.Pro357Ala (NM_001376295.1); c.997C>G, p.Pro333Ala (NM_001376301.1); short protein forms P318A, P320A, P333A, P357A, P375A, P413A, P416A, P423A.
Identifiers: ClinVar variation 5037249 (VCV005037249.1).